The following is an entry in ClinVar:

NM_022089.4(ATP13A2):c.232C>A (p.Arg78=)

Gene: ATP13A2 (ATPase cation transporting 13A2; minus strand). Cytogenetic location: 1p36.13.
Variant type: single nucleotide variant.
Coding change: c.232C>A on transcript NM_022089.4 (MANE Select); coding-DNA position 232, C replaced by A.
Protein change: p.Arg78=; no amino-acid change (arginine 78 retained).
Molecular consequence: synonymous variant.
Genome position (GRCh38, 1-based): chr1:17,005,430, G>T on the plus strand (C>A on the coding strand, the complement: ATP13A2 is on the minus strand). VCF-style: chr1-17005430-G-T. GRCh37 (hg19) VCF-style: chr1-17331925-G-T.
Other names: c.232C>A, p.Arg78= (NM_001141973.3, NM_001141974.3).
Identifiers: ClinVar variation 4682312 (VCV004682312.1).

ClinVar aggregate classification (germline): Uncertain significance (1 of 4 stars; one submission).

Submission:

Athena Diagnostics
Classification: Uncertain significance. Last evaluated: 2025-02-10. Review status: criteria provided, single submitter. Criteria: Athena Diagnostics Criteria. Collection method: clinical testing. Allele origin: unknown.
Comment: Available data are insufficient to determine the clinical significance of the variant at this time. This variant has not been reported in large, multi-ethnic general populations. Computational tools yielded predictions that this variant is unlikely to have an effect on normal RNA splicing.